The following is an entry in ClinVar:

NM_006393.3(NEBL):c.1672A>C (p.Arg558=)

Gene: NEBL (nebulette; minus strand). Cytogenetic location: 10p12.31.
Variant type: single nucleotide variant.
Coding change: c.1672A>C on transcript NM_006393.3 (MANE Select); coding-DNA position 1672, A replaced by C.
Protein change: p.Arg558=; no amino-acid change (arginine 558 retained).
Molecular consequence: synonymous variant. On other transcripts: intron variant (9).
Genome position (GRCh38, 1-based): chr10:20,828,634, T>G on the plus strand (A>C on the coding strand, the complement: NEBL is on the minus strand). VCF-style: chr10-20828634-T-G. GRCh37 (hg19) VCF-style: chr10-21117563-T-G.
Other names: c.250-15694A>C (NM_001377326.1, NM_001377327.1, NM_001377328.1); c.358-15694A>C (NM_213569.2, NM_001173484.2, NM_001377322.1); c.301-15694A>C (NM_001377324.1); c.292-15694A>C (NM_001377325.1); c.310-15694A>C (NM_001377323.1).
Identifiers: ClinVar variation 845705 (VCV000845705.12), dbSNP rs944343501, ClinGen allele CA204163572.

ClinVar aggregate classification (germline): Conflicting classifications of pathogenicity. Review status: criteria provided, conflicting classifications (1 of 4 stars). 2 submissions from 2 submitters: Uncertain significance (1); Likely benign (1). Last evaluated 2024-04-15.

Conditions:
Primary dilated cardiomyopathy (DCM). Also called: Dilated Cardiomyopathy. Identifiers: Orphanet 217604, MedGen C0007193, MeSH D002311, MONDO:0005021, HP:0001644. Inheritance: Various modes of inheritance.

Allele frequency attached by ClinVar (database versions not stated): gnomAD exomes 0.00001 and below 0.00001; TOPMed 0.00001.
gnomAD v4.1: 4 of 1,533,922 alleles (0.00026%); highest among the groups gnomAD compares: Non-Finnish European, 0.00027%; no homozygotes.

Submissions (2):

Labcorp Genetics (formerly Invitae), Labcorp
Classification: Uncertain significance for Primary dilated cardiomyopathy. Last evaluated: 2024-04-15. Review status: criteria provided, single submitter. Criteria: Invitae Variant Classification Sherloc (09022015). Collection method: clinical testing. Allele origin: germline.
Comment: This sequence change affects codon 558 of the NEBL mRNA. It is a 'silent' change, meaning that it does not change the encoded amino acid sequence of the NEBL protein. It affects a nucleotide within the consensus splice site. This variant is present in population databases (no rsID available, gnomAD 0.0009%). This variant has been observed in individual(s) with cardiomyopathy (PMID: 27186169). ClinVar contains an entry for this variant (Variation ID: 845705). Algorithms developed to predict the effect of sequence changes on RNA splicing suggest that this variant is not likely to affect RNA splicing. In summary, the available evidence is currently insufficient to determine the role of this variant in disease. Therefore, it has been classified as a Variant of Uncertain Significance.

Ambry Genetics
Classification: Likely benign. Last evaluated: 2023-06-28. Review status: criteria provided, single submitter. Criteria: Ambry Variant Classification Scheme 2023. Collection method: clinical testing. Allele origin: germline.

Literature cited by the submitters: PubMed 27186169 (cited by Labcorp Genetics (formerly Invitae), Labcorp).